The following is an entry in ClinVar:

NM_001844.5(COL2A1):c.*305G>A

Gene: COL2A1 (collagen type II alpha 1 chain; minus strand). Cytogenetic location: 12q13.11.
Variant type: single nucleotide variant.
Coding change: c.*305G>A on transcript NM_001844.5 (MANE Select); 305 bases downstream of the stop codon, G replaced by A.
Molecular consequence: 3 prime UTR variant.
Genome position (GRCh38, 1-based): chr12:47,973,102, C>T on the plus strand (G>A on the coding strand, the complement: COL2A1 is on the minus strand). VCF-style: chr12-47973102-C-T. GRCh37 (hg19) VCF-style: chr12-48366885-C-T.
Other names: c.*305G>A (NM_033150.3).
Identifiers: ClinVar variation 308895 (VCV000308895.29), dbSNP rs532700241, ClinGen allele CA10642340.

ClinVar aggregate classification (germline): Conflicting classifications of pathogenicity. Review status: criteria provided, conflicting classifications (1 of 4 stars). 3 submissions from 2 submitters: Uncertain significance (1); Benign (1); Likely benign (1). Last evaluated 2023-01-01.

Conditions:
Stickler syndrome type 1 (STL1). Also called: ARTHROOPHTHALMOPATHY, HEREDITARY PROGRESSIVE; STICKLER SYNDROME, MEMBRANOUS VITREOUS TYPE; STICKLER SYNDROME, VITREOUS TYPE 1; COL2A1-Related Stickler Syndrome. Identifiers: Orphanet 828, Orphanet 90653, MedGen C2020284, MONDO:0007160, OMIM 108300.
Type 2 collagenopathy. Identifiers: Orphanet 93421, MedGen C2931073, MONDO:0022800.

Allele frequency attached by ClinVar (database versions not stated): 1000 Genomes Project 30x 0.00078; 1000 Genomes Project 0.00080; TOPMed 0.00436; gnomAD 0.00479 and 0.00516; gnomAD exomes 0.00600.
gnomAD v4.1: 3,424 of 602,094 alleles (0.57%); highest among the groups gnomAD compares: Non-Finnish European, 0.77%; 11 homozygotes.

Submissions (3):

CeGaT Center for Human Genetics Tuebingen
Classification: Likely benign. Last evaluated: 2023-01-01. Review status: criteria provided, single submitter. Criteria: CeGaT Center For Human Genetics Tuebingen Variant Classification Criteria Version 2. Collection method: clinical testing. Allele origin: germline. Affected: yes. Observed: 1 variant allele.
Comment: COL2A1: BS1

Illumina Laboratory Services, Illumina
Classification: Uncertain significance for Stickler syndrome type 1. Last evaluated: 2018-01-13. Review status: criteria provided, single submitter. Criteria: ICSL Variant Classification Criteria 13 December 2019. Collection method: clinical testing. Allele origin: germline.

Illumina Laboratory Services, Illumina
Classification: Benign for Type II Collagenopathies. Last evaluated: 2018-01-13. Review status: criteria provided, single submitter. Criteria: ICSL Variant Classification Criteria 13 December 2019. Collection method: clinical testing. Allele origin: germline.
Comment: This variant was observed in the ICSL laboratory as part of a predisposition screen in an ostensibly healthy population. It had not been previously curated by ICSL or reported in the Human Gene Mutation Database (HGMD: prior to June 1st, 2018), and was therefore a candidate for classification through an automated scoring system. Utilizing variant allele frequency, disease prevalence and penetrance estimates, and inheritance mode, an automated score was calculated to assess if this variant is too frequent to cause the disease. Based on the score and internal cut-off values, a variant classified as benign is not then subjected to further curation. The score for this variant resulted in a classification of benign for this disease.